The following is an entry in ClinVar:

NM_001142864.4(PIEZO1):c.6927-9C>T

Gene: PIEZO1 (piezo type mechanosensitive ion channel component 1 (Er blood group); minus strand). Cytogenetic location: 16q24.3.
Variant type: single nucleotide variant.
Coding change: c.6927-9C>T on transcript NM_001142864.4 (MANE Select); 9 bases into the intron before coding-DNA position 6927, C replaced by T.
Molecular consequence: intron variant.
Genome position (GRCh38, 1-based): chr16:88,716,492, G>A on the plus strand (C>T on the coding strand, the complement: PIEZO1 is on the minus strand). VCF-style: chr16-88716492-G-A. GRCh37 (hg19) VCF-style: chr16-88782900-G-A.
Other names: p.?.
Identifiers: ClinVar variation 4684127 (VCV004684127.1).

ClinVar aggregate classification (germline): Likely benign (1 of 4 stars; one submission).

gnomAD v4.1: 1 of 1,544,792 alleles (0.000065%); highest among the groups gnomAD compares: Non-Finnish European, 0.000087%; no homozygotes.

Submission:

Mayo Clinic Laboratories, Mayo Clinic
Classification: Likely benign. Last evaluated: 2025-07-23. Review status: criteria provided, single submitter. Criteria: ACMG Guidelines, 2015. Collection method: clinical testing. Allele origin: germline. Observed: 1 variant allele.
Comment: BP4, BP7, PM2_supporting